The following is an entry in ClinVar:

ClinVar aggregate classification (germline): Conflicting classifications of pathogenicity. Review status: criteria provided, conflicting classifications (1 of 4 stars). 4 submissions from 4 submitters: Uncertain significance (3); Likely benign (1). Last evaluated 2026-02-03.

Conditions:
MORC2-related disorder. Also called: MORC2-related condition.
Charcot-Marie-Tooth disease axonal type 2Z. Also called: CHARCOT-MARIE-TOOTH DISEASE, AXONAL, AUTOSOMAL DOMINANT, TYPE 2Z; CHARCOT-MARIE-TOOTH NEUROPATHY, TYPE 2Z. Identifiers: Orphanet 466768, MedGen C5569025, MONDO:0014736, OMIM 616688.

Allele frequency attached by ClinVar (database versions not stated): ExAC 0.00001; gnomAD 0.00002 and 0.00003; gnomAD exomes 0.00002; TOPMed 0.00006; ESP Exome Variant Server 0.00015.
gnomAD v4.1: 165 of 1,613,920 alleles (0.01%); highest among the groups gnomAD compares: Non-Finnish European, 0.013%; no homozygotes.

Submissions (4):

PreventionGenetics, part of Exact Sciences
Classification: Uncertain significance for MORC2-related condition. Last evaluated: 2026-02-03. Review status: criteria provided, single submitter. Criteria: ACMG Guidelines, 2015. Collection method: clinical testing. Allele origin: germline.
Comment: The MORC2 c.2060G>A variant is predicted to result in the amino acid substitution p.Arg687Gln. To our knowledge, this variant has not been reported in the literature. This variant is reported in 0.0033% of alleles in individuals of South Asian descent in gnomAD. At this time, the clinical significance of this variant is uncertain due to the absence of conclusive functional and genetic evidence.

Labcorp Genetics (formerly Invitae), Labcorp
Classification: Uncertain significance for Charcot-Marie-Tooth disease axonal type 2Z. Last evaluated: 2025-08-10. Review status: criteria provided, single submitter. Criteria: Invitae Variant Classification Sherloc (09022015). Collection method: clinical testing. Allele origin: germline.
Comment: This sequence change replaces arginine, which is basic and polar, with glutamine, which is neutral and polar, at codon 687 of the MORC2 protein (p.Arg687Gln). This variant is present in population databases (rs201772330, gnomAD 0.003%). This variant has not been reported in the literature in individuals affected with MORC2-related conditions. ClinVar contains an entry for this variant (Variation ID: 665062). Invitae Evidence Modeling of protein sequence and biophysical properties (such as structural, functional, and spatial information, amino acid conservation, physicochemical variation, residue mobility, and thermodynamic stability) indicates that this missense variant is not expected to disrupt MORC2 protein function with a negative predictive value of 95%. In summary, the available evidence is currently insufficient to determine the role of this variant in disease. Therefore, it has been classified as a Variant of Uncertain Significance.

Women's Health and Genetics/Laboratory Corporation of America, LabCorp
Classification: Uncertain significance. Last evaluated: 2025-03-21. Review status: criteria provided, single submitter. Criteria: LabCorp Variant Classification Summary - May 2015. Collection method: clinical testing. Allele origin: germline.
Comment: Variant summary: MORC2 c.2060G>A (p.Arg687Gln) results in a conservative amino acid change in the encoded protein sequence. Five of five in-silico tools predict a benign effect of the variant on protein function. The variant allele was found at a frequency of 1.6e-05 in 251304 control chromosomes. The available data on variant occurrences in the general population are insufficient to allow any conclusion about variant significance. To our knowledge, no occurrence of c.2060G>A in individuals affected with Charcot-Marie-Tooth disease axonal type 2Z and no experimental evidence demonstrating its impact on protein function have been reported. ClinVar contains an entry for this variant (Variation ID: 665062). Based on the evidence outlined above, the variant was classified as uncertain significance.

Mayo Clinic Laboratories, Mayo Clinic
Classification: Likely benign. Last evaluated: 2025-01-27. Review status: criteria provided, single submitter. Criteria: ACMG Guidelines, 2015. Collection method: clinical testing. Allele origin: germline. Observed: 1 variant allele.
Comment: BS2, BP4_moderate

NM_001303256.3(MORC2):c.2060G>A (p.Arg687Gln)

Gene: MORC2 (MORC family CW-type zinc finger 2; minus strand). Cytogenetic location: 22q12.2.
Variant type: single nucleotide variant.
Coding change: c.2060G>A on transcript NM_001303256.3 (MANE Select); coding-DNA position 2060, G replaced by A.
Protein change: p.Arg687Gln; replaces arginine 687 with glutamine.
Molecular consequence: missense variant.
Genome position (GRCh38, 1-based): chr22:30,934,914, C>T on the plus strand (G>A on the coding strand, the complement: MORC2 is on the minus strand). VCF-style: chr22-30934914-C-T. GRCh37 (hg19) VCF-style: chr22-31330901-C-T.
Other names: p.Arg687Gln; c.2060G>A, p.Arg687Gln (NM_001303257.2); c.1874G>A, p.Arg625Gln (NM_014941.3); short protein forms R687Q, R625Q.
Identifiers: ClinVar variation 665062 (VCV000665062.12), dbSNP rs201772330, ClinGen allele CA10186780.
Genomic context (GRCh38, chr22:30,934,914, plus strand): 5'-CGAGGGCTCTTGGAGTTGGGCAGTAAAGATGGTGACAGTTGCTGCACCAGAGGGGCAGGT[C>T]GGGATGCAGTCTTGACGAGAGTGTTGGCAGGCTTTCGGGGTGCCTCAGGTGGCTGGAGCA-3'
Protein context (NP_001290185.1, residues 677-697): PANTLVKTAS[Arg687Gln]PAPLVQQLSP